The following is an entry in ClinVar:

NM_001371986.1(UNC80):c.409C>T (p.Arg137Ter)

Gene: UNC80 (unc-80 subunit of NALCN channel complex; plus strand). Cytogenetic location: 2q34.
Variant type: single nucleotide variant.
Coding change: c.409C>T on transcript NM_001371986.1 (MANE Select); coding-DNA position 409, C replaced by T.
Protein change: p.Arg137Ter; replaces arginine 137 with a stop codon.
Molecular consequence: nonsense.
Genome position (GRCh38, 1-based): chr2:209,777,368, C>T. VCF-style: chr2-209777368-C-T. GRCh37 (hg19) VCF-style: chr2-210642092-C-T.
Other names: c.409C>T, p.Arg137Ter (NM_032504.2, NM_182587.4); short protein forms R137*.
Identifiers: ClinVar variation 993028 (VCV000993028.12), dbSNP rs1289499829, ClinGen allele CA350131131.

ClinVar aggregate classification (germline): Pathogenic. Review status: criteria provided, multiple submitters, no conflicts (2 of 4 stars). 5 submissions from 5 submitters: Pathogenic (4). 1 of the submissions does not count toward it. Last evaluated 2024-05-02.

Conditions:
Intellectual disability. Also called: Intellectual functioning disability; intellectual disabilities; Intellectual developmental disorder. Identifiers: MedGen C3714756, MeSH D008607, MONDO:0001071, HP:0001249.
Hypotonia, infantile, with psychomotor retardation and characteristic facies 2 (IHPRF2). Also called: UNC80 Deficiency. Identifiers: Orphanet 371364, Orphanet 700333, MedGen C4225203, MONDO:0014777, OMIM 616801.

gnomAD v4.1: 4 of 1,614,124 alleles (0.00025%); highest among the groups gnomAD compares: Non-Finnish European, 0.00034%; no homozygotes.

Submissions (5):

Labcorp Genetics (formerly Invitae), Labcorp
Classification: Pathogenic. Last evaluated: 2024-05-02. Review status: criteria provided, single submitter. Criteria: Invitae Variant Classification Sherloc (09022015). Collection method: clinical testing. Allele origin: germline.
Comment: This sequence change creates a premature translational stop signal (p.Arg137*) in the UNC80 gene. It is expected to result in an absent or disrupted protein product. Loss-of-function variants in UNC80 are known to be pathogenic (PMID: 26545877, 26708751, 26708753). This variant is not present in population databases (gnomAD no frequency). This variant has not been reported in the literature in individuals affected with UNC80-related conditions. ClinVar contains an entry for this variant (Variation ID: 993028). For these reasons, this variant has been classified as Pathogenic.

Cambridge Genomics Laboratory, East Genomic Laboratory Hub, NHS Genomic Medicine Service
Classification: Pathogenic for Intellectual disability. Last evaluated: 2020-07-13. Review status: criteria provided, single submitter. Criteria: ACGS Best Practice Guidelines for Variant Classification in Rare Disease 2020. Collection method: clinical testing. Allele origin: germline. Affected: yes. Observed: 1 variant allele.

Revvity Omics, Revvity
Classification: Pathogenic for Hypotonia, infantile, with psychomotor retardation and characteristic facies 2. Last evaluated: 2020-03-20. Review status: criteria provided, single submitter. Criteria: ACMG Guidelines, 2015. Collection method: clinical testing. Allele origin: germline.

Pathology and Clinical Laboratory Medicine, King Fahad Medical City
Classification: Pathogenic for Hypotonia, infantile, with psychomotor retardation and characteristic facies 2. Review status: criteria provided, single submitter. Criteria: ACMG Guidelines, 2015. Collection method: clinical testing. Allele origin: germline. Affected: yes. Observed: 2 variant alleles.

Biochemical Molecular Genetic Laboratory, King Abdulaziz Medical City
Classification: Likely pathogenic for Hypotonia, infantile, with psychomotor retardation and characteristic facies 2. Last evaluated: 2020-08-07. Review status: no assertion criteria provided. Collection method: clinical testing. Allele origin: germline. Affected: yes. Not counted in ClinVar's aggregate classification.

Literature cited by the submitters: PubMed 26545877 (cited by Labcorp Genetics (formerly Invitae), Labcorp); PubMed 26708751 (cited by Labcorp Genetics (formerly Invitae), Labcorp); PubMed 26708753 (cited by Labcorp Genetics (formerly Invitae), Labcorp).